The following is an entry in ClinVar:

ClinVar aggregate classification (germline): Conflicting classifications of pathogenicity. Review status: criteria provided, conflicting classifications (1 of 4 stars). 4 submissions from 4 submitters: Uncertain significance (1); Likely benign (3). Last evaluated 2026-05-06.

Allele frequency attached by ClinVar (database versions not stated): ExAC 0.00028; gnomAD exomes 0.00029; 1000 Genomes Project 0.00080; ESP Exome Variant Server 0.00119.

Submissions (4):

Women's Health and Genetics/Laboratory Corporation of America, LabCorp
Classification: Likely benign. Last evaluated: 2026-05-06. Review status: criteria provided, single submitter. Criteria: LabCorp Variant Classification Summary - May 2015. Collection method: clinical testing. Allele origin: germline.
Comment: Variant summary: ICOSLG c.400G>C (p.Val134Leu) results in a conservative amino acid change in the encoded protein sequence. Algorithms developed to predict the effect of missense changes on protein structure and function are either unavailable or do not agree on the potential impact of this missense change. The variant allele was found at a frequency of 0.00029 in 187886 control chromosomes, predominantly at a frequency of 0.0035 within the African or African-American subpopulation in the gnomAD database, including 1 homozygotes. The observed variant frequency within African or African-American control individuals in the gnomAD database exceeds the estimated maximal expected allele frequency for disease-causing variants in ICOSLG. To our knowledge, no occurrence of c.400G>C in individuals affected with ICOSLG-related conditions and no experimental evidence demonstrating its impact on protein function have been reported. ClinVar contains an entry for this variant (Variation ID: 1109197). Based on the evidence outlined above, the variant was classified as likely benign.

Labcorp Genetics (formerly Invitae), Labcorp
Classification: Likely benign. Last evaluated: 2026-01-27. Review status: criteria provided, single submitter. Criteria: Invitae Variant Classification Sherloc (09022015). Collection method: clinical testing. Allele origin: germline.

Ambry Genetics
Classification: Uncertain significance. Last evaluated: 2025-08-09. Review status: criteria provided, single submitter. Criteria: Ambry Variant Classification Scheme 2023. Collection method: clinical testing. Allele origin: germline.

Blueprint Genetics
Classification: Likely benign. Last evaluated: 2023-11-21. Review status: criteria provided, single submitter. Criteria: ACMG Guidelines, 2015. Collection method: clinical testing. Allele origin: germline.

NM_015259.6(ICOSLG):c.400G>C (p.Val134Leu)

Gene: ICOSLG (inducible T cell costimulator ligand; minus strand). Cytogenetic location: 21q22.3.
Variant type: single nucleotide variant.
Coding change: c.400G>C on transcript NM_015259.6 (MANE Select); coding-DNA position 400, G replaced by C.
Protein change: p.Val134Leu; replaces valine 134 with leucine.
Molecular consequence: missense variant. On other transcripts: intron variant (1).
Genome position (GRCh38, 1-based): chr21:44,236,873, C>G on the plus strand (G>C on the coding strand, the complement: ICOSLG is on the minus strand). VCF-style: chr21-44236873-C-G. GRCh37 (hg19) VCF-style: chr21-45656756-C-G.
Other names: c.400G>C, p.Val134Leu (NM_001283050.2); c.145G>C, p.Val49Leu (NM_001283052.2); c.319G>C, p.Val107Leu (NM_001365759.2); c.56-1311G>C (NM_001283051.2); c.400G>C (NM_015259.4); short protein forms V107L, V134L, V49L.
Identifiers: ClinVar variation 1109197 (VCV001109197.13), dbSNP rs201900032, ClinGen allele CA321498041.